The following is an entry in ClinVar:

NM_006393.3(NEBL):c.2048T>C (p.Leu683Pro)

Gene: NEBL (nebulette; minus strand). Cytogenetic location: 10p12.31.
Variant type: single nucleotide variant.
Coding change: c.2048T>C on transcript NM_006393.3 (MANE Select); coding-DNA position 2048, T replaced by C.
Protein change: p.Leu683Pro; replaces leucine 683 with proline.
Molecular consequence: missense variant. On other transcripts: intron variant (9).
Genome position (GRCh38, 1-based): chr10:20,819,431, A>G on the plus strand (T>C on the coding strand, the complement: NEBL is on the minus strand). VCF-style: chr10-20819431-A-G. GRCh37 (hg19) VCF-style: chr10-21108360-A-G.
Other names: c.250-6491T>C (NM_001377326.1, NM_001377327.1, NM_001377328.1); c.358-6491T>C (NM_213569.2, NM_001173484.2, NM_001377322.1); c.301-6491T>C (NM_001377324.1); c.292-6491T>C (NM_001377325.1); c.310-6491T>C (NM_001377323.1); short protein forms L683P.
Identifiers: ClinVar variation 3878623 (VCV003878623.1).

ClinVar aggregate classification (germline): Uncertain significance (1 of 4 stars; one submission).

gnomAD v4.1: 2 of 1,614,112 alleles (0.00012%); no homozygotes.

Submission:

Ambry Genetics
Classification: Uncertain significance. Last evaluated: 2025-02-09. Review status: criteria provided, single submitter. Criteria: Ambry Variant Classification Scheme 2023. Collection method: clinical testing. Allele origin: germline.
Comment: The p.L683P variant (also known as c.2048T>C), located in coding exon 20 of the NEBL gene, results from a T to C substitution at nucleotide position 2048. The leucine at codon 683 is replaced by proline, an amino acid with similar properties. This amino acid position is conserved. In addition, the in silico prediction for this alteration is inconclusive. Based on the available evidence, the clinical significance of this variant remains unclear.